The following is an entry in ClinVar:

ClinVar aggregate classification (germline): Uncertain significance (1 of 4 stars; one submission).

Conditions:
Ehlers-Danlos syndrome, classic type, 1 (EDSCL1). Also called: EHLERS-DANLOS SYNDROME, GRAVIS TYPE; EHLERS-DANLOS SYNDROME, SEVERE CLASSIC TYPE; Ehlers-Danlos syndrome, type 1; Ehlers-Danlos Syndrome, Classic Type, COL5A1-Related; EDS I. Identifiers: MedGen C0268335, MONDO:0019567, OMIM 130000.

Submission:

Labcorp Genetics (formerly Invitae), Labcorp
Classification: Uncertain significance for Ehlers-Danlos syndrome, classic type, 1. Last evaluated: 2021-04-12. Review status: criteria provided, single submitter. Criteria: Invitae Variant Classification Sherloc (09022015). Collection method: clinical testing. Allele origin: germline.
Comment: This sequence change falls in intron 8 of the COL5A1 gene. It does not directly change the encoded amino acid sequence of the COL5A1 protein. This variant is not present in population databases (ExAC no frequency). In summary, the available evidence is currently insufficient to determine the role of this variant in disease. Therefore, it has been classified as a Variant of Uncertain Significance. Algorithms developed to predict the effect of sequence changes on RNA splicing suggest that this variant may create or strengthen a splice site, but this prediction has not been confirmed by published transcriptional studies. This variant has not been reported in the literature in individuals with COL5A1-related conditions.

NM_000093.5(COL5A1):c.1333-19T>A

Gene: COL5A1 (collagen type V alpha 1 chain; plus strand). Cytogenetic location: 9q34.3.
Variant type: single nucleotide variant.
Coding change: c.1333-19T>A on transcript NM_000093.5 (MANE Select); 19 bases into the intron before coding-DNA position 1333, T replaced by A.
Molecular consequence: intron variant.
Genome position (GRCh38, 1-based): chr9:134,732,052, T>A. VCF-style: chr9-134732052-T-A. GRCh37 (hg19) VCF-style: chr9-137623898-T-A.
Other names: c.1333-19T>A (NM_001278074.1).
Identifiers: ClinVar variation 1431196 (VCV001431196.8), dbSNP rs2132643213, ClinGen allele CA2573144127.